The following is an entry in ClinVar:

ClinVar aggregate classification (germline): Uncertain significance (1 of 4 stars; one submission).

Submission:

Labcorp Genetics (formerly Invitae), Labcorp
Classification: Uncertain significance. Last evaluated: 2022-03-18. Review status: criteria provided, single submitter. Criteria: Invitae Variant Classification Sherloc (09022015). Collection method: clinical testing. Allele origin: germline.
Comment: This sequence change falls in intron 18 of the DENND5A gene. It does not directly change the encoded amino acid sequence of the DENND5A protein. It affects a nucleotide within the consensus splice site. Variants that disrupt the consensus splice site are a relatively common cause of aberrant splicing (PMID: 17576681, 9536098). Algorithms developed to predict the effect of sequence changes on RNA splicing suggest that this variant may disrupt the consensus splice site. In summary, the available evidence is currently insufficient to determine the role of this variant in disease. Therefore, it has been classified as a Variant of Uncertain Significance. This variant has not been reported in the literature in individuals affected with DENND5A-related conditions. This variant is not present in population databases (gnomAD no frequency).

Literature cited by the submitters: PubMed 17576681; PubMed 9536098.

NM_015213.4(DENND5A):c.3122+5G>A

Gene: DENND5A (DENN domain containing 5A; minus strand). Cytogenetic location: 11p15.4.
Variant type: single nucleotide variant.
Coding change: c.3122+5G>A on transcript NM_015213.4 (MANE Select); 5 bases into the intron after coding-DNA position 3122, G replaced by A.
Molecular consequence: intron variant.
Genome position (GRCh38, 1-based): chr11:9,144,990, C>T on the plus strand (G>A on the coding strand, the complement: DENND5A is on the minus strand). VCF-style: chr11-9144990-C-T. GRCh37 (hg19) VCF-style: chr11-9166537-C-T.
Other names: c.3050+5G>A (NM_001348749.2); c.3122+5G>A (NM_001243254.2); c.2834+5G>A (NM_001348750.2).
Identifiers: ClinVar variation 2113712 (VCV002113712.4), dbSNP rs2542233076, ClinGen allele CA2513130232.